The following is an entry in ClinVar:

NM_001083961.2(WDR62):c.241G>A (p.Gly81Ser)

Gene: WDR62 (WD repeat domain 62; plus strand). Cytogenetic location: 19q13.12.
Variant type: single nucleotide variant.
Coding change: c.241G>A on transcript NM_001083961.2 (MANE Select); coding-DNA position 241, G replaced by A.
Protein change: p.Gly81Ser; replaces glycine 81 with serine.
Molecular consequence: missense variant.
Genome position (GRCh38, 1-based): chr19:36,058,843, G>A. VCF-style: chr19-36058843-G-A. GRCh37 (hg19) VCF-style: chr19-36549745-G-A.
Other names: c.241G>A, p.Gly81Ser (NM_173636.5); short protein forms G81S.
Identifiers: ClinVar variation 892162 (VCV000892162.6), dbSNP rs201714619, ClinGen allele CA9395177.

ClinVar aggregate classification (germline): Uncertain significance. Review status: criteria provided, multiple submitters, no conflicts (2 of 4 stars). 3 submissions from 3 submitters: Uncertain significance (3). Last evaluated 2024-04-16.

Conditions:
Microcephaly 2, primary, autosomal recessive, with or without cortical malformations. Also called: WDR62 Primary Microcephaly; MICROCEPHALY 2, PRIMARY, AUTOSOMAL RECESSIVE, WITH CORTICAL MALFORMATIONS. Identifiers: Orphanet 2512, MedGen C1858535, MONDO:0011435, OMIM 604317.

Allele frequency attached by ClinVar (database versions not stated): gnomAD exomes 0.00012 and 0.00008; 1000 Genomes Project 0.00040; 1000 Genomes Project 30x 0.00047; gnomAD 0.00004 and 0.00006; TOPMed 0.00007; ExAC 0.00012.
gnomAD v4.1: 125 of 1,614,216 alleles (0.0077%); highest among the groups gnomAD compares: East Asian, 0.16%; no homozygotes.

Submissions (3):

Athena Diagnostics
Classification: Uncertain significance. Last evaluated: 2024-04-16. Review status: criteria provided, single submitter. Criteria: Athena Diagnostics Criteria. Collection method: clinical testing. Allele origin: unknown.
Comment: Available data are insufficient to determine the clinical significance of the variant at this time. The frequency of this variant in the general population is higher than would generally be expected for pathogenic variants in this gene. Computational tools predict that this variant is not damaging.

Fulgent Genetics
Classification: Uncertain significance for Microcephaly 2, primary, autosomal recessive, with or without cortical malformations. Last evaluated: 2024-03-14. Review status: criteria provided, single submitter. Criteria: ACMG Guidelines, 2015. Collection method: clinical testing. Allele origin: germline.

Illumina Laboratory Services, Illumina
Classification: Uncertain significance for Microcephaly 2, primary, autosomal recessive, with or without cortical malformations. Last evaluated: 2018-01-12. Review status: criteria provided, single submitter. Criteria: ICSL Variant Classification Criteria 13 December 2019. Collection method: clinical testing. Allele origin: germline.

Literature cited by the submitters: PubMed 25010007 (cited by Athena Diagnostics); PubMed 27093186 (cited by Athena Diagnostics); PubMed 38539105 (cited by Athena Diagnostics).